The following is an entry in ClinVar:

NM_058216.3(RAD51C):c.843T>C (p.Ile281=)

Gene: RAD51C (RAD51 paralog C; plus strand). Cytogenetic location: 17q22.
Variant type: single nucleotide variant.
Coding change: c.843T>C on transcript NM_058216.3 (MANE Select); coding-DNA position 843, T replaced by C.
Protein change: p.Ile281=; no amino-acid change (isoleucine 281 retained).
Molecular consequence: synonymous variant. On other transcripts: non-coding transcript variant (1).
Genome position (GRCh38, 1-based): chr17:58,720,751, T>C. VCF-style: chr17-58720751-T-C. GRCh37 (hg19) VCF-style: chr17-56798112-T-C.
Identifiers: ClinVar variation 3903592 (VCV003903592.1).

ClinVar aggregate classification (germline): Benign (1 of 4 stars; one submission).

Conditions:
Breast-ovarian cancer, familial, susceptibility to, 3. Also called: RAD51C-Related Breast/Ovarian Cancer. Identifiers: Orphanet 145, MedGen C3150659, MONDO:0013253, OMIM 613399.

Submission:

Myriad Genetics, Inc.
Classification: Benign for Breast-ovarian cancer, familial, susceptibility to, 3. Last evaluated: 2025-02-19. Review status: criteria provided, single submitter. Criteria: Myriad Autosomal Dominant, Autosomal Recessive and X-Linked Classification Criteria (2023). Collection method: clinical testing. Allele origin: unknown.
Comment: This variant is considered benign. This variant is a silent/synonymous amino acid change and it is not expected to impact splicing.